The following is an entry in ClinVar:

NM_002838.5(PTPRC):c.1866T>A (p.Asp622Glu)

Gene: PTPRC (protein tyrosine phosphatase receptor type C; plus strand). Cytogenetic location: 1q32.1.
Variant type: single nucleotide variant.
Coding change: c.1866T>A on transcript NM_002838.5 (MANE Select); coding-DNA position 1866, T replaced by A.
Protein change: p.Asp622Glu; replaces aspartic acid 622 with glutamic acid.
Molecular consequence: missense variant.
Genome position (GRCh38, 1-based): chr1:198,731,618, T>A. VCF-style: chr1-198731618-T-A. GRCh37 (hg19) VCF-style: chr1-198700747-T-A.
Other names: c.1383T>A, p.Asp461Glu (NM_080921.4); short protein forms D461E, D622E.
Identifiers: ClinVar variation 1020353 (VCV001020353.8), dbSNP rs772094735, ClinGen allele CA344043572.

ClinVar aggregate classification (germline): Uncertain significance (1 of 4 stars; one submission).

Conditions:
Immunodeficiency 104. Also called: SCID, AUTOSOMAL RECESSIVE, T CELL-NEGATIVE, B CELL-POSITIVE, NK CELL-POSITIVE; Severe Combined Immune Deficiency, Autosomal Recessive, TCell -Negative, B Cell-Positive, NK Cell-Positive, IL7R-Related; Severe combined immunodeficiency, autosomal recessive, T cell-negative, B cell-positive, NK cell-positive; IMMUNODEFICIENCY 104, SEVERE COMBINED. Identifiers: MedGen C5676890, MONDO:0012163, OMIM 608971.

gnomAD v4.1: 1 of 1,599,566 alleles (0.000063%); no homozygotes.

Submission:

Labcorp Genetics (formerly Invitae), Labcorp
Classification: Uncertain significance for Immunodeficiency 104. Last evaluated: 2024-10-16. Review status: criteria provided, single submitter. Criteria: Invitae Variant Classification Sherloc (09022015). Collection method: clinical testing. Allele origin: germline.
Comment: This sequence change replaces aspartic acid, which is acidic and polar, with glutamic acid, which is acidic and polar, at codon 622 of the PTPRC protein (p.Asp622Glu). This variant is not present in population databases (gnomAD no frequency). This variant has not been reported in the literature in individuals affected with PTPRC-related conditions. ClinVar contains an entry for this variant (Variation ID: 1020353). An algorithm developed to predict the effect of missense changes on protein structure and function (PolyPhen-2) suggests that this variant is likely to be disruptive. Algorithms developed to predict the effect of sequence changes on RNA splicing suggest that this variant may create or strengthen a splice site. In summary, the available evidence is currently insufficient to determine the role of this variant in disease. Therefore, it has been classified as a Variant of Uncertain Significance.